The following is an entry in ClinVar:

NM_013444.4(UBQLN2):c.1722G>T (p.Gln574His)

Gene: UBQLN2 (ubiquilin 2; plus strand). Cytogenetic location: Xp11.21.
Variant type: single nucleotide variant.
Coding change: c.1722G>T on transcript NM_013444.4 (MANE Select); coding-DNA position 1722, G replaced by T.
Protein change: p.Gln574His; replaces glutamine 574 with histidine.
Molecular consequence: missense variant.
Genome position (GRCh38, 1-based): chrX:56,565,595, G>T. VCF-style: chrX-56565595-G-T. GRCh37 (hg19) VCF-style: chrX-56592028-G-T.
Other names: short protein forms Q574H.
Identifiers: ClinVar variation 2162807 (VCV002162807.4), dbSNP rs778000429, ClinGen allele CA10430210.
Genomic context (GRCh38, chrX:56,565,595, plus strand): 5'-ACCCAACCAGCAGTTCATTCAGCAAATGGTGCAGGCCCTGGCTGGAGCAAATGCTCCACA[G>T]CTGCCGAATCCAGAAGTCAGATTTCAGCAACAACTGGAACAGCTCAACGCAATGGGGTTC-3'
Protein context (NP_038472.2, residues 564-584): VQALAGANAP[Gln574His]LPNPEVRFQQ

ClinVar aggregate classification (germline): Uncertain significance (1 of 4 stars; one submission).

Conditions:
Amyotrophic lateral sclerosis type 15. Also called: AMYOTROPHIC LATERAL SCLEROSIS 15 WITH FRONTOTEMPORAL DEMENTIA. Identifiers: Orphanet 803, MedGen C3275459, MONDO:0010459, OMIM 300857.

Allele frequency attached by ClinVar (database versions not stated): gnomAD 0.00003; gnomAD exomes 0.00003; ExAC 0.00012; 1000 Genomes Project 0.00079; 1000 Genomes Project 30x 0.00083.

Submission:

Labcorp Genetics (formerly Invitae), Labcorp
Classification: Uncertain significance for Amyotrophic lateral sclerosis type 15. Last evaluated: 2022-07-10. Review status: criteria provided, single submitter. Criteria: Invitae Variant Classification Sherloc (09022015). Collection method: clinical testing. Allele origin: germline.
Comment: This variant is present in population databases (rs778000429, gnomAD 0.07%), including at least one homozygous and/or hemizygous individual. This sequence change replaces glutamine, which is neutral and polar, with histidine, which is basic and polar, at codon 574 of the UBQLN2 protein (p.Gln574His). This variant has not been reported in the literature in individuals affected with UBQLN2-related conditions. Experimental studies and prediction algorithms are not available or were not evaluated, and the functional significance of this variant is currently unknown. In summary, the available evidence is currently insufficient to determine the role of this variant in disease. Therefore, it has been classified as a Variant of Uncertain Significance.